The following is an entry in ClinVar:

NM_033159.4(HYAL1):c.676C>T (p.Arg226Cys)

Gene: HYAL1 (hyaluronidase 1; minus strand). Cytogenetic location: 3p21.31.
Variant type: single nucleotide variant.
Coding change: c.676C>T on transcript NM_033159.4 (MANE Select); coding-DNA position 676, C replaced by T.
Protein change: p.Arg226Cys; replaces arginine 226 with cysteine.
Molecular consequence: missense variant. On other transcripts: non-coding transcript variant (1), intron variant (1).
Genome position (GRCh38, 1-based): chr3:50,302,281, G>A on the plus strand (C>T on the coding strand, the complement: HYAL1 is on the minus strand). VCF-style: chr3-50302281-G-A. GRCh37 (hg19) VCF-style: chr3-50339712-G-A.
Other names: c.676C>T, p.Arg226Cys (NM_153281.2, NM_153282.3); c.130C>T, p.Arg44Cys (NM_153283.3); c.-26-76C>T (NM_153285.3); short protein forms R226C, R44C.
Identifiers: ClinVar variation 4989522 (VCV004989522.1).

ClinVar aggregate classification (germline): Uncertain significance (1 of 4 stars; one submission).

Conditions:
HYAL1-related disorder. Also called: HYAL1-related condition.

Submission:

PreventionGenetics, part of Exact Sciences
Classification: Uncertain significance for HYAL1-related condition. Last evaluated: 2026-05-11. Review status: criteria provided, single submitter. Criteria: ACMG Guidelines, 2015. Collection method: clinical testing. Allele origin: germline.
Comment: The HYAL1 c.676C>T variant is predicted to result in the amino acid substitution p.Arg226Cys. To our knowledge, this variant has not been reported in the literature. This variant is reported in 0.041% of alleles in individuals of Latino descent in gnomAD. At this time, the clinical significance of this variant is uncertain due to the absence of conclusive functional and genetic evidence.